The following is an entry in ClinVar:

NM_000455.5(STK11):c.307A>G (p.Arg103Gly)

Gene: STK11 (serine/threonine kinase 11; plus strand). Cytogenetic location: 19p13.3.
Variant type: single nucleotide variant.
Coding change: c.307A>G on transcript NM_000455.5 (MANE Select); coding-DNA position 307, A replaced by G.
Protein change: p.Arg103Gly; replaces arginine 103 with glycine.
Molecular consequence: missense variant.
Genome position (GRCh38, 1-based): chr19:1,218,433, A>G. VCF-style: chr19-1218433-A-G. GRCh37 (hg19) VCF-style: chr19-1218432-A-G.
Other names: short protein forms R103G.
Identifiers: ClinVar variation 631236 (VCV000631236.14), dbSNP rs1568703342, ClinGen allele CA402947664.
Genomic context (GRCh38, chr19:1,218,433, plus strand): 5'-CTGACGTTGGGTCGGCTGATACACCCCTGTCCTCTCTGTCCCAGGGAAATTCAACTACTG[A>G]GGAGGTTACGGCACAAAAATGTCATCCAGCTGGTGGATGTGTTATACAACGAAGAGAAGC-3'
Protein context (NP_000446.1, residues 93-113): ANVKKEIQLL[Arg103Gly]RLRHKNVIQL

ClinVar aggregate classification (germline): Uncertain significance. Review status: criteria provided, multiple submitters, no conflicts (2 of 4 stars). 3 submissions from 3 submitters: Uncertain significance (3). Last evaluated 2025-05-19.

Conditions:
Hereditary cancer-predisposing syndrome. Also called: Hereditary Cancer Syndrome; Neoplastic Syndromes, Hereditary; Tumor predisposition; Hereditary neoplastic syndrome. Identifiers: Orphanet 140162, MedGen C0027672, MeSH D009386, MONDO:0015356.
Peutz-Jeghers syndrome (PJS). Also called: Peutz-Jeghers polyposis; Periorificial lentiginosis syndrome; POLYPOSIS, HAMARTOMATOUS INTESTINAL; POLYPS-AND-SPOTS SYNDROME. Identifiers: Orphanet 2869, MedGen C0031269, MeSH D010580, MONDO:0008280, OMIM 175200.

Submissions (3):

Ambry Genetics
Classification: Uncertain significance for Hereditary cancer-predisposing syndrome. Last evaluated: 2025-05-19. Review status: criteria provided, single submitter. Criteria: Ambry Variant Classification Scheme 2023. Collection method: clinical testing. Allele origin: germline.
Comment: The p.R103G variant (also known as c.307A>G), located in coding exon 2 of the STK11 gene, results from an A to G substitution at nucleotide position 307. The arginine at codon 103 is replaced by glycine, an amino acid with dissimilar properties. This amino acid position is conserved. In addition, the in silico prediction for this alteration is inconclusive. Based on the available evidence, the clinical significance of this variant remains unclear.

Color Diagnostics, LLC DBA Color Health
Classification: Uncertain significance for Hereditary cancer-predisposing syndrome. Last evaluated: 2023-12-05. Review status: criteria provided, single submitter. Criteria: ACMG Guidelines, 2015. Collection method: clinical testing. Allele origin: germline.
Comment: This missense variant replaces arginine with glycine at codon 103 of the STK11 protein. Computational prediction suggests that this variant may have deleterious impact on protein structure and function (internally defined REVEL score threshold >= 0.7, PMID: 27666373). To our knowledge, functional studies have not been reported for this variant. This variant has not been reported in individuals affected with STK11-related disorders in the literature. This variant has not been identified in the general population by the Genome Aggregation Database (gnomAD). The available evidence is insufficient to determine the role of this variant in disease conclusively. Therefore, this variant is classified as a Variant of Uncertain Significance.

Labcorp Genetics (formerly Invitae), Labcorp
Classification: Uncertain significance for Peutz-Jeghers syndrome. Last evaluated: 2023-01-14. Review status: criteria provided, single submitter. Criteria: Invitae Variant Classification Sherloc (09022015). Collection method: clinical testing. Allele origin: germline.
Comment: In summary, the available evidence is currently insufficient to determine the role of this variant in disease. Therefore, it has been classified as a Variant of Uncertain Significance. Algorithms developed to predict the effect of missense changes on protein structure and function (SIFT, PolyPhen-2, Align-GVGD) all suggest that this variant is likely to be disruptive. ClinVar contains an entry for this variant (Variation ID: 631236). This variant has not been reported in the literature in individuals affected with STK11-related conditions. This variant is not present in population databases (gnomAD no frequency). This sequence change replaces arginine, which is basic and polar, with glycine, which is neutral and non-polar, at codon 103 of the STK11 protein (p.Arg103Gly).